The following is an entry in ClinVar:

ClinVar aggregate classification (germline): Uncertain significance. Review status: criteria provided, multiple submitters, no conflicts (2 of 4 stars). 4 submissions from 4 submitters: Uncertain significance (4). Last evaluated 2024-11-18.

Allele frequency attached by ClinVar (database versions not stated): TOPMed 0.00001.
gnomAD v4.1: 31 of 1,550,528 alleles (0.002%); highest among the groups gnomAD compares: Admixed American, 0.0039%; no homozygotes.

Submissions (4):

Blueprint Genetics
Classification: Uncertain significance. Last evaluated: 2024-11-18. Review status: criteria provided, single submitter. Criteria: ACMG Guidelines, 2015. Collection method: clinical testing. Allele origin: germline.

Labcorp Genetics (formerly Invitae), Labcorp
Classification: Uncertain significance. Last evaluated: 2022-09-15. Review status: criteria provided, single submitter. Criteria: Invitae Variant Classification Sherloc (09022015). Collection method: clinical testing. Allele origin: germline.
Comment: This variant is present in population databases (rs773503851, gnomAD 0.008%). This sequence change replaces arginine, which is basic and polar, with threonine, which is neutral and polar, at codon 614 of the PDZD7 protein (p.Arg614Thr). This variant also falls at the last nucleotide of exon 12, which is part of the consensus splice site for this exon. This missense change has been observed in individual(s) with deafness (PMID: 30622556). ClinVar contains an entry for this variant (Variation ID: 666908). Algorithms developed to predict the effect of missense changes on protein structure and function are either unavailable or do not agree on the potential impact of this missense change (SIFT: "Deleterious"; PolyPhen-2: "Not Available"; Align-GVGD: "Class C0"). Variants that disrupt the consensus splice site are a relatively common cause of aberrant splicing (PMID: 17576681, 9536098). Algorithms developed to predict the effect of sequence changes on RNA splicing suggest that this variant may disrupt the consensus splice site. In summary, the available evidence is currently insufficient to determine the role of this variant in disease. Therefore, it has been classified as a Variant of Uncertain Significance.

GeneDx
Classification: Uncertain significance. Last evaluated: 2022-01-11. Review status: criteria provided, single submitter. Criteria: GeneDx Variant Classification Process June 2021. Collection method: clinical testing. Allele origin: germline. Affected: yes.
Comment: Alters the last nucleotide of the exon and is predicted to destroy the splice donor site and result in aberrant splicing, although in the absence of functional evidence the actual effect of this sequence change is unknown; In silico analysis, which includes protein predictors and evolutionary conservation, supports a deleterious effect; This variant is associated with the following publications: (PMID: 30622556)

Laboratory for Molecular Medicine, Mass General Brigham Personalized Medicine
Classification: Uncertain significance. Last evaluated: 2019-02-12. Review status: criteria provided, single submitter. Criteria: LMM Criteria. Collection method: clinical testing. Allele origin: germline. Observed: 1 variant allele.
Comment: The p.Arg614Thr variant in PDZD7 has not been previously reported in individuals with hearing loss but has been identified in 0.008% (2/24568) of Latino chromosomes by gnomAD. This variant is located in the last three bases of the exon, which is part of the 5â€™ splice region. Computational tools predict a splicing impact, though this information is not predictive enough to determine pathogenicity. In summary, the clinical significance of this variant is uncertain. ACMG/AMP Criteria applied: PM2_Supporting, PP3.

Literature cited by the submitters: PubMed 30622556 (cited by Labcorp Genetics (formerly Invitae), Labcorp); PubMed 17576681 (cited by Labcorp Genetics (formerly Invitae), Labcorp); PubMed 9536098 (cited by Labcorp Genetics (formerly Invitae), Labcorp).

NM_001195263.2(PDZD7):c.1841G>C (p.Arg614Thr)

Gene: PDZD7 (PDZ domain containing 7; minus strand). Cytogenetic location: 10q24.31.
Variant type: single nucleotide variant.
Coding change: c.1841G>C on transcript NM_001195263.2 (MANE Select); coding-DNA position 1841, G replaced by C.
Protein change: p.Arg614Thr; replaces arginine 614 with threonine.
Molecular consequence: missense variant.
Genome position (GRCh38, 1-based): chr10:101,012,167, C>G on the plus strand (G>C on the coding strand, the complement: PDZD7 is on the minus strand). VCF-style: chr10-101012167-C-G. GRCh37 (hg19) VCF-style: chr10-102771924-C-G.
Other names: short protein forms R614T.
Identifiers: ClinVar variation 666908 (VCV000666908.15), dbSNP rs773503851, ClinGen allele CA212979899.